The following is an entry in ClinVar:

ClinVar aggregate classification (germline): Uncertain significance (1 of 4 stars; one submission).

Conditions:
Neurodevelopmental disorder with impaired intellectual development, hypotonia, and ataxia. Identifiers: MedGen C4749014, MONDO:0032661, OMIM 618292.

Allele frequency attached by ClinVar (database versions not stated): gnomAD exomes below 0.00001.
gnomAD v4.1: 4 of 1,613,852 alleles (0.00025%); highest among the groups gnomAD compares: Non-Finnish European, 0.00034%; no homozygotes.

Submission:

Baylor Genetics
Classification: Uncertain significance for Neurodevelopmental disorder with impaired intellectual development, hypotonia, and ataxia. Last evaluated: 2020-01-13. Review status: criteria provided, single submitter. Criteria: ACMG Guidelines, 2015. Collection method: clinical testing. Allele origin: unknown. Affected: yes.
Comment: This variant was determined to be of uncertain significance according to ACMG Guidelines, 2015 [PMID:25741868].

NM_004947.5(DOCK3):c.2249G>T (p.Gly750Val)

Gene: DOCK3 (dedicator of cytokinesis 3; plus strand). Cytogenetic location: 3p21.2.
Variant type: single nucleotide variant.
Coding change: c.2249G>T on transcript NM_004947.5 (MANE Select); coding-DNA position 2249, G replaced by T.
Protein change: p.Gly750Val; replaces glycine 750 with valine.
Molecular consequence: missense variant.
Genome position (GRCh38, 1-based): chr3:51,260,220, G>T. VCF-style: chr3-51260220-G-T. GRCh37 (hg19) VCF-style: chr3-51297651-G-T.
Other names: short protein forms G750V.
Identifiers: ClinVar variation 1028827 (VCV001028827.1), dbSNP rs2079779134, ClinGen allele CA352962505.